The following is an entry in ClinVar:

NM_004260.4(RECQL4):c.1232A>G (p.His411Arg)

Gene: RECQL4 (RecQ like helicase 4; minus strand). Cytogenetic location: 8q24.3.
Variant type: single nucleotide variant.
Coding change: c.1232A>G on transcript NM_004260.4 (MANE Select); coding-DNA position 1232, A replaced by G.
Protein change: p.His411Arg; replaces histidine 411 with arginine.
Molecular consequence: missense variant. On other transcripts: synonymous variant (5), non-coding transcript variant (3), intron variant (1).
Genome position (GRCh38, 1-based): chr8:144,515,790, T>C on the plus strand (A>G on the coding strand, the complement: RECQL4 is on the minus strand). VCF-style: chr8-144515790-T-C. GRCh37 (hg19) VCF-style: chr8-145741174-T-C.
Other names: c.1136A>G, p.His379Arg (NM_001413017.1, NM_001413020.1); c.1232A>G, p.His411Arg (NM_001413018.1, NM_001413019.1, NM_001413033.1 and 2 more transcripts); c.161A>G, p.His54Arg (NM_001413021.1, NM_001413022.1, NM_001413023.1 and 8 more transcripts); c.1103A>G, p.His368Arg (NM_001413025.1); c.99A>G, p.Ser33= (NM_001413027.1, NM_001413030.1, NM_001413031.1 and 2 more transcripts); c.881A>G, p.His294Arg (NM_001413029.1); c.-210+198A>G (NM_001413043.1); short protein forms H379R, H54R, H294R, H368R, H411R.
Identifiers: ClinVar variation 3788074 (VCV003788074.1).

ClinVar aggregate classification (germline): Uncertain significance (1 of 4 stars; one submission).

Conditions:
Inborn genetic diseases. Identifiers: MedGen C0950123, MeSH D030342.

Submission:

Ambry Genetics
Classification: Uncertain significance for Inborn genetic diseases. Last evaluated: 2025-03-04. Review status: criteria provided, single submitter. Criteria: Ambry Variant Classification Scheme 2023. Collection method: clinical testing. Allele origin: germline.
Comment: The p.H411R variant (also known as c.1232A>G), located in coding exon 6 of the RECQL4 gene, results from an A to G substitution at nucleotide position 1232. The histidine at codon 411 is replaced by arginine, an amino acid with highly similar properties. This amino acid position is conserved. In addition, this alteration is predicted to be tolerated by in silico analysis. Based on the available evidence, the clinical significance of this variant remains unclear.